The following is an entry in ClinVar:

ClinVar aggregate classification (germline): Likely pathogenic. Review status: criteria provided, multiple submitters, no conflicts (2 of 4 stars). 3 submissions from 3 submitters: Likely pathogenic (3). Last evaluated 2025-08-15.

Conditions:
Familial adenomatous polyposis 2. Also called: MYH-associated polyposis; FAP type 2; MUTYH-related attenuated familial adenomatous polyposis; Adenomas, multiple colorectal; ADENOMAS, MULTIPLE COLORECTAL, AUTOSOMAL RECESSIVE; MUTYH Polyposis. Identifiers: Orphanet 220460, Orphanet 247798, MedGen C3272841, MONDO:0012041, OMIM 608456.
Hereditary cancer-predisposing syndrome. Also called: Neoplastic Syndromes, Hereditary; Hereditary neoplastic syndrome; Tumor predisposition; Hereditary Cancer Syndrome. Identifiers: Orphanet 140162, MedGen C0027672, MeSH D009386, MONDO:0015356.

Submissions (3):

Ambry Genetics
Classification: Likely pathogenic for Hereditary cancer-predisposing syndrome. Last evaluated: 2025-08-15. Review status: criteria provided, single submitter. Criteria: Ambry Variant Classification Scheme 2023. Collection method: clinical testing. Allele origin: germline.
Comment: The p.R109G variant (also known as c.325C>G), located in coding exon 3 of the MUTYH gene, results from a C to G substitution at nucleotide position 325. The arginine at codon 109 is replaced by glycine, an amino acid with dissimilar properties. This variant has been identified in conjunction with other MUTYH variant(s) in individual(s) with features consistent with MUTYH-associated polyposis (Marabelli M et al. Genet Test Mol Biomarkers, 2016 Dec;20:777-785). Another variant at the same codon, p.R109W (c.325C>T), has been detected in conjunction with a pathogenic MUTYH variant, in multiple patients with colorectal cancer and/or polyposis (Vogt et al. Gastroenterology. 2009;137:1976&ndash;1985; Yurgelun MB et al. Gastroenterology 2015 Sep;149:604-13.e20; Church J et al. Dis. Colon Rectum, 2016 Jun;59:565; Ambry internal data). In a massively parallel cell-based functional assay testing 7,8-dihydro-8-oxoguanine:adenine (8OG:A) repair activity, a byproduct of oxidative damage, this variant was reported to be non-functional (Hemker SL et al. Am J Hum Genet. Published online July 29, 2025. DOI: 10.1016/j.ajhg.2025.07.005). This amino acid position is highly conserved in available vertebrate species. In addition, this alteration is predicted to be deleterious by in silico analysis. This variant is considered to be rare based on population cohorts in the Genome Aggregation Database (gnomAD). Based on the majority of available evidence to date, this variant is likely to be pathogenic.

Color Diagnostics, LLC DBA Color Health
Classification: Likely pathogenic for Hereditary cancer-predisposing syndrome. Last evaluated: 2025-07-22. Review status: criteria provided, single submitter. Criteria: ACMG Guidelines, 2015. Collection method: clinical testing. Allele origin: germline.
Comment: This missense variant replaces arginine with glycine at codon 109 of the MUTYH protein. Computational prediction suggests that this variant may have deleterious impact on protein structure and function. To our knowledge, functional studies have not been reported for this variant. This variant has been observed with a pathogenic variant in trans in an individual affected with colorectal cancer and polyps (PMID: 27705013), indicating that this variant contributes to disease. This variant has not been identified in the general population by the Genome Aggregation Database (gnomAD). Different variants occurring at the same codon, p.Arg109Trp and p.Arg109Pro, are well documented pathogenic mutations (ClinVar Variation ID: 183896, 464711), indicating that arginine at this position is important for MUTYH protein function. Based on the available evidence, this variant is classified as Likely Pathogenic.

Labcorp Genetics (formerly Invitae), Labcorp
Classification: Likely pathogenic for Familial adenomatous polyposis 2. Last evaluated: 2023-10-10. Review status: criteria provided, single submitter. Criteria: Invitae Variant Classification Sherloc (09022015). Collection method: clinical testing. Allele origin: germline.
Comment: This sequence change replaces arginine, which is basic and polar, with glycine, which is neutral and non-polar, at codon 109 of the MUTYH protein (p.Arg109Gly). This variant is not present in population databases (gnomAD no frequency). This missense change has been observed in individual(s) with MUTYH-associated polyposis (PMID: 27705013). In at least one individual the data is consistent with being in trans (on the opposite chromosome) from a pathogenic variant. ClinVar contains an entry for this variant (Variation ID: 849076). An algorithm developed to predict the effect of missense changes on protein structure and function (PolyPhen-2) suggests that this variant is likely to be disruptive. This variant disrupts the p.Arg109 amino acid residue in MUTYH. Other variant(s) that disrupt this residue have been determined to be pathogenic (PMID: 19732775, 21520333). This suggests that this residue is clinically significant, and that variants that disrupt this residue are likely to be disease-causing. In summary, the currently available evidence indicates that the variant is pathogenic, but additional data are needed to prove that conclusively. Therefore, this variant has been classified as Likely Pathogenic.

Literature cited by the submitters: PubMed 27705013 (cited by 3 submitters); PubMed 40738107 (cited by Ambry Genetics); PubMed 19732775 (cited by Labcorp Genetics (formerly Invitae), Labcorp); PubMed 21520333 (cited by Labcorp Genetics (formerly Invitae), Labcorp).

NM_001048174.2(MUTYH):c.241C>G (p.Arg81Gly)

Gene: MUTYH (mutY DNA glycosylase; minus strand). Cytogenetic location: 1p34.1.
Variant type: single nucleotide variant.
Coding change: c.241C>G on transcript NM_001048174.2 (MANE Select); coding-DNA position 241, C replaced by G.
Protein change: p.Arg81Gly; replaces arginine 81 with glycine.
Molecular consequence: missense variant. On other transcripts: 5 prime UTR variant (4), non-coding transcript variant (2).
Genome position (GRCh38, 1-based): chr1:45,333,436, G>C on the plus strand (C>G on the coding strand, the complement: MUTYH is on the minus strand). VCF-style: chr1-45333436-G-C. GRCh37 (hg19) VCF-style: chr1-45799108-G-C.
Other names: c.241C>G, p.Arg81Gly (NM_001048171.2, NM_001048173.2, NM_001293195.2); c.244C>G, p.Arg82Gly (NM_001048172.2); c.325C>G, p.Arg109Gly (NM_001128425.2); c.286C>G, p.Arg96Gly (NM_001293190.2); c.274C>G, p.Arg92Gly (NM_001293191.2); c.-36C>G (NM_001293192.2, NM_001293196.2); c.-31C>G (NM_001350650.2, NM_001350651.2); c.316C>G, p.Arg106Gly (NM_012222.3); short protein forms R92G, R81G, R106G, R82G, R96G, R109G.
Identifiers: ClinVar variation 849076 (VCV000849076.11), dbSNP rs765123255, ClinGen allele CA340136374.